The following is an entry in ClinVar:

NM_176787.5(PIGN):c.2672+1G>T

Gene: PIGN (phosphatidylinositol glycan anchor biosynthesis class N; minus strand). Cytogenetic location: 18q21.33.
Variant type: single nucleotide variant.
Coding change: c.2672+1G>T on transcript NM_176787.5 (MANE Select); the canonical splice donor site of the intron after coding-DNA position 2672, G replaced by T.
Molecular consequence: splice donor variant.
Genome position (GRCh38, 1-based): chr18:62,072,672, C>A on the plus strand (G>T on the coding strand, the complement: PIGN is on the minus strand). VCF-style: chr18-62072672-C-A. GRCh37 (hg19) VCF-style: chr18-59739905-C-A.
Other names: c.2672+1G>T (NM_012327.6).
Identifiers: ClinVar variation 449284 (VCV000449284.39), dbSNP rs1287655964, ClinGen allele CA402723411.

ClinVar aggregate classification (germline): Pathogenic/Likely pathogenic. Review status: criteria provided, multiple submitters, no conflicts (2 of 4 stars). 4 submissions from 4 submitters: Pathogenic (3); Likely pathogenic (1). Last evaluated 2026-05-28.

Conditions:
Multiple congenital anomalies-hypotonia-seizures syndrome 1 (MCAHS1). Also called: PIGN-CDG; Congenital disorder of glycosylation due to PIGN deficiency; GLYCOSYLPHOSPHATIDYLINOSITOL BIOSYNTHESIS DEFECT 3. Identifiers: Orphanet 280633, MedGen C3279775, MONDO:0013563, OMIM 614080.

gnomAD v4.1: 1 of 1,604,182 alleles (0.000062%); highest among the groups gnomAD compares: African/African-American, 0.0013%; no homozygotes.

Submissions (4):

Women's Health and Genetics/Laboratory Corporation of America, LabCorp
Classification: Likely pathogenic for Multiple congenital anomalies-hypotonia-seizures syndrome 1. Last evaluated: 2026-05-28. Review status: criteria provided, single submitter. Criteria: LabCorp Variant Classification Summary - May 2015. Collection method: clinical testing. Allele origin: germline.
Comment: Variant summary: PIGN c.2672+1G>T is located in a canonical splice-site in the last intron and is predicted to affect mRNA splicing resulting in a significantly altered protein due to either exon skipping, shortening, or inclusion of intronic material. Variants that disrupt the consensus splice site are a relatively common cause of aberrant splicing and loss of PIGN function. Several computational tools predict a significant impact on normal splicing: Four predict the variant abolishes a 5' splicing donor site. However, these predictions have yet to be confirmed by functional studies. The variant was absent in 241750 control chromosomes. To our knowledge, no occurrence of c.2672+1G>T in individuals affected with PIGN-related conditions and no experimental evidence demonstrating its impact on protein function have been reported. A variant within the last exon (c.2679C>G, p.Ser893Arg) has been observed in several affected individuals. ClinVar contains an entry for this variant (Variation ID: 449284). Based on the evidence outlined above, the variant was classified as likely pathogenic.

GeneDx
Classification: Pathogenic. Last evaluated: 2025-06-09. Review status: criteria provided, single submitter. Criteria: GeneDx Variant Classification Process June 2021. Collection method: clinical testing. Allele origin: germline. Affected: yes.
Comment: Canonical splice site variant predicted to result in a null allele in a gene for which loss of function is a known mechanism of disease; Not observed at significant frequency in large population cohorts (gnomAD); Has not been previously published as pathogenic or benign to our knowledge

Labcorp Genetics (formerly Invitae), Labcorp
Classification: Pathogenic for Multiple congenital anomalies-hypotonia-seizures syndrome 1. Last evaluated: 2025-06-08. Review status: criteria provided, single submitter. Criteria: Invitae Variant Classification Sherloc (09022015). Collection method: clinical testing. Allele origin: germline.
Comment: This sequence change affects a donor splice site in intron 30 of the PIGN gene. While this variant is not anticipated to result in nonsense mediated decay, it likely alters RNA splicing and results in a disrupted protein product. This variant is not present in population databases (gnomAD no frequency). This variant has not been reported in the literature in individuals affected with PIGN-related conditions. ClinVar contains an entry for this variant (Variation ID: 449284). Variants that disrupt the consensus splice site are a relatively common cause of aberrant splicing (PMID: 17576681, 9536098). Algorithms developed to predict the effect of sequence changes on RNA splicing suggest that this variant may disrupt the consensus splice site. This variant disrupts a region of the PIGN protein in which other variant(s) (p.Ser893Arg) have been determined to be pathogenic (PMID: 35179230, 36322149; internal data). This suggests that this is a clinically significant region of the protein, and that variants that disrupt it are likely to be disease-causing. For these reasons, this variant has been classified as Pathogenic.

CeGaT Center for Human Genetics Tuebingen
Classification: Pathogenic. Last evaluated: 2023-08-01. Review status: criteria provided, single submitter. Criteria: CeGaT Center For Human Genetics Tuebingen Variant Classification Criteria Version 2. Collection method: clinical testing. Allele origin: germline. Affected: yes. Observed: 1 variant allele.
Comment: PIGN: PVS1, PM2

Literature cited by the submitters: PubMed 17576681 (cited by Labcorp Genetics (formerly Invitae), Labcorp); PubMed 9536098 (cited by Labcorp Genetics (formerly Invitae), Labcorp); PubMed 35179230 (cited by Labcorp Genetics (formerly Invitae), Labcorp); PubMed 36322149 (cited by Labcorp Genetics (formerly Invitae), Labcorp).